The following is an entry in ClinVar:

ClinVar aggregate classification (germline): Uncertain significance (1 of 4 stars; one submission).

Conditions:
Emery-Dreifuss muscular dystrophy 4, autosomal dominant (EDMD4). Also called: EMERY-DREIFUSS MUSCULAR DYSTROPHY 4 WITH VARIABLE FEATURES. Identifiers: Orphanet 261, MedGen C2751807, MONDO:0013071, OMIM 612998.
Autosomal recessive ataxia, Beauce type. Also called: SYNE1-Related Autosomal Recessive Cerebellar Ataxia; Spinocerebellar ataxia, autosomal recessive 8; ATAXIA, RECESSIVE, OF BEAUCE; SYNE1 Deficiency. Identifiers: Orphanet 88644, MedGen C1853116, MONDO:0012549, OMIM 610743.

Allele frequency attached by ClinVar (database versions not stated): gnomAD exomes 0.00003; gnomAD 0.00004 and 0.00005; TOPMed 0.00008; ExAC 0.00002.
gnomAD v4.1: 72 of 1,614,166 alleles (0.0045%); highest among the groups gnomAD compares: African/African-American, 0.0093%; no homozygotes.

Submission:

Labcorp Genetics (formerly Invitae), Labcorp
Classification: Uncertain significance for Emery-Dreifuss muscular dystrophy 4, autosomal dominant; Autosomal recessive ataxia, Beauce type. Last evaluated: 2024-12-14. Review status: criteria provided, single submitter. Criteria: Invitae Variant Classification Sherloc (09022015). Collection method: clinical testing. Allele origin: germline.
Comment: This sequence change replaces valine, which is neutral and non-polar, with isoleucine, which is neutral and non-polar, at codon 6827 of the SYNE1 protein (p.Val6827Ile). This variant is present in population databases (rs769943110, gnomAD 0.01%). This variant has not been reported in the literature in individuals affected with SYNE1-related conditions. ClinVar contains an entry for this variant (Variation ID: 565826). An algorithm developed to predict the effect of missense changes on protein structure and function outputs the following: PolyPhen-2: "Benign". The isoleucine amino acid residue is found in multiple mammalian species, which suggests that this missense change does not adversely affect protein function. In summary, the available evidence is currently insufficient to determine the role of this variant in disease. Therefore, it has been classified as a Variant of Uncertain Significance.

NM_182961.4(SYNE1):c.20692G>A (p.Val6898Ile)

Gene: SYNE1 (spectrin repeat containing nuclear envelope protein 1; minus strand). Cytogenetic location: 6q25.2.
Variant type: single nucleotide variant.
Coding change: c.20692G>A on transcript NM_182961.4 (MANE Select); coding-DNA position 20692, G replaced by A.
Protein change: p.Val6898Ile; replaces valine 6898 with isoleucine.
Molecular consequence: missense variant.
Genome position (GRCh38, 1-based): chr6:152,233,801, C>T on the plus strand (G>A on the coding strand, the complement: SYNE1 is on the minus strand). VCF-style: chr6-152233801-C-T. GRCh37 (hg19) VCF-style: chr6-152554936-C-T.
Other names: c.20479G>A, p.Val6827Ile (NM_033071.5); short protein forms V6827I, V6898I.
Identifiers: ClinVar variation 565826 (VCV000565826.10), dbSNP rs769943110, ClinGen allele CA4054356.